The following is an entry in ClinVar:

NM_000059.4(BRCA2):c.6714T>G (p.Asp2238Glu)

Gene: BRCA2 (BRCA2 DNA repair associated; plus strand). Cytogenetic location: 13q13.1.
Variant type: single nucleotide variant.
Coding change: c.6714T>G on transcript NM_000059.4 (MANE Select); coding-DNA position 6714, T replaced by G.
Protein change: p.Asp2238Glu; replaces aspartic acid 2238 with glutamic acid.
Molecular consequence: missense variant.
Genome position (GRCh38, 1-based): chr13:32,341,069, T>G. VCF-style: chr13-32341069-T-G. GRCh37 (hg19) VCF-style: chr13-32915206-T-G.
Other names: p.D2238E:GAT>GAG; short protein forms D2238E.
Identifiers: ClinVar variation 52167 (VCV000052167.28), dbSNP rs28897742, ClinGen allele CA024319.
Genomic context (GRCh38, chr13:32,341,069, plus strand): 5'-TTCAGAAAACTACTTTGAAACAGAAGCAGTAGAAATTGCTAAAGCTTTTATGGAAGATGA[T>G]GAACTGACAGATTCTAAACTGCCAAGTCATGCCACACATTCTCTTTTTACATGTCCCGAA-3'
Protein context (NP_000050.3, residues 2228-2248): VEIAKAFMED[Asp2238Glu]ELTDSKLPSH

ClinVar aggregate classification (germline): Conflicting classifications of pathogenicity. Review status: criteria provided, conflicting classifications (1 of 4 stars). 11 submissions from 11 submitters: Uncertain significance (6); Likely benign (3). 2 of the submissions do not count toward it. Last evaluated 2026-01-19.

Conditions:
Hereditary cancer-predisposing syndrome. Also called: Neoplastic Syndromes, Hereditary; Tumor predisposition; Hereditary Cancer Syndrome; Hereditary neoplastic syndrome. Identifiers: Orphanet 140162, MedGen C0027672, MeSH D009386, MONDO:0015356.
Hereditary breast ovarian cancer syndrome. Also called: Breast and ovarian cancer; BRCA1- and BRCA2-Associated Hereditary Breast and Ovarian Cancer; Hereditary breast and ovarian cancer syndrome; Hereditary breast and/or ovarian cancer syndrome; Hereditary breast and ovarian cancer syndrome (HBOC); Hereditary breast and ovarian cancer. Identifiers: Orphanet 145, MedGen C0677776, MeSH D061325, MONDO:0003582. Disease mechanism: loss of function.
Breast-ovarian cancer, familial, susceptibility to, 2 (BROVCA2). Also called: BRCA2 Hereditary Breast and Ovarian Cancer. Identifiers: Orphanet 145, MedGen C2675520, MONDO:0012933, OMIM 612555. Disease mechanism: loss of function.
Malignant tumor of breast. Also called: Malignant breast neoplasm; Cancer breast. Identifiers: MedGen C0006142, MONDO:0007254. Disease mechanism: loss of function.

Allele frequency attached by ClinVar (database versions not stated): gnomAD exomes below 0.00001; TOPMed below 0.00001; ExAC 0.00002.
gnomAD v4.1: 5 of 1,614,000 alleles (0.00031%); highest among the groups gnomAD compares: Non-Finnish European, 0.00042%; no homozygotes.

Submissions (11):

Labcorp Genetics (formerly Invitae), Labcorp
Classification: Uncertain significance for Hereditary breast ovarian cancer syndrome. Last evaluated: 2026-01-19. Review status: criteria provided, single submitter. Criteria: Invitae Variant Classification Sherloc (09022015). Collection method: clinical testing. Allele origin: germline.
Comment: This sequence change replaces aspartic acid, which is acidic and polar, with glutamic acid, which is acidic and polar, at codon 2238 of the BRCA2 protein (p.Asp2238Glu). This variant is present in population databases (rs28897742, gnomAD 0.002%). This missense change has been observed in individual(s) with clinical features of BRCA2-related conditions (PMID: 10923033). ClinVar contains an entry for this variant (Variation ID: 52167). Invitae Evidence Modeling of protein sequence and biophysical properties (such as structural, functional, and spatial information, amino acid conservation, physicochemical variation, residue mobility, and thermodynamic stability) indicates that this missense variant is not expected to disrupt BRCA2 protein function with a negative predictive value of 95%. In summary, the available evidence is currently insufficient to determine the role of this variant in disease. Therefore, it has been classified as a Variant of Uncertain Significance.

Ambry Genetics
Classification: Uncertain significance for Hereditary cancer-predisposing syndrome. Last evaluated: 2025-07-15. Review status: criteria provided, single submitter. Criteria: Ambry Variant Classification Scheme 2023. Collection method: clinical testing. Allele origin: germline.
Comment: The p.D2238E variant (also known as c.6714T>G), located in coding exon 10 of the BRCA2 gene, results from a T to G substitution at nucleotide position 6714. The aspartic acid at codon 2238 is replaced by glutamic acid, an amino acid with highly similar properties. This amino acid position is poorly conserved in available vertebrate species. In addition, this alteration is predicted to be tolerated by in silico analysis. Based on the available evidence, the clinical significance of this variant remains unclear.

ARUP Laboratories, Molecular Genetics and Genomics, ARUP Laboratories
Classification: Likely benign. Last evaluated: 2025-04-18. Review status: criteria provided, single submitter. Criteria: ARUP Molecular Germline Variant Investigation Process 2024. Collection method: clinical testing. Allele origin: germline.

Blueprint Genetics
Classification: Uncertain significance. Last evaluated: 2024-08-12. Review status: criteria provided, single submitter. Criteria: ACMG Guidelines, 2015. Collection method: clinical testing. Allele origin: germline.

GeneDx
Classification: Uncertain significance. Last evaluated: 2024-02-16. Review status: criteria provided, single submitter. Criteria: GeneDx Variant Classification Process June 2021. Collection method: clinical testing. Allele origin: germline. Affected: yes.
Comment: Observed in individuals with breast cancer (PMID: 33471991); Not observed at significant frequency in large population cohorts (gnomAD); In silico analysis supports that this missense variant does not alter protein structure/function; Also known as 6942T>G; This variant is associated with the following publications: (PMID: 18724707, 27150160, 31131967, 33471991)

University of Washington Department of Laboratory Medicine, University of Washington
Classification: Likely benign for Hereditary cancer-predisposing syndrome. Last evaluated: 2023-03-23. Review status: criteria provided, single submitter. Criteria: Dines et al. (Genet Med. 2020). Collection method: curation. Allele origin: germline.
Comment: Missense variant in a coldspot region where missense variants are very unlikely to be pathogenic (PMID:31911673).

BRCA2 exon 11 coldspot. Reclassification based on statistical prior probability.

Sema4
Classification: Uncertain significance for Hereditary cancer-predisposing syndrome. Last evaluated: 2021-09-02. Review status: criteria provided, single submitter. Criteria: Sema4 Curation Guidelines. Collection method: curation. Allele origin: germline.
Comment: The BRCA2 c.6714T>G (p.D2238E) variant has been reported in at least four individuals with breast cancer (PMID: 33471991). It was observed in 1/113662 chromosomes of the Non-Finnish European subpopulation in the large and broad cohorts of the Genome Aggregation Database (PMID: 32461654). The variant has been reported in ClinVar (Variation ID 52167). Functional studies have not been performed, and in silico predictions of the variant's effect on protein function are inconclusive. The evidence is insufficient to meet ACMG/AMP criteria for classifying the variant as benign or pathogenic. Thus, the clinical significance of this variant is currently uncertain.

Quest Diagnostics Nichols Institute San Juan Capistrano
Classification: Uncertain significance. Last evaluated: 2021-07-21. Review status: criteria provided, single submitter. Criteria: Quest Diagnostics criteria. Collection method: clinical testing. Allele origin: unknown.

Color Diagnostics, LLC DBA Color Health
Classification: Likely benign for Hereditary cancer-predisposing syndrome. Last evaluated: 2015-10-14. Review status: criteria provided, single submitter. Criteria: ACMG Guidelines, 2015. Collection method: clinical testing. Allele origin: germline.

Breast Cancer Information Core (BIC) (BRCA2)
Classification: Uncertain significance for Breast-ovarian cancer, familial 2. Last evaluated: 2002-05-29. Review status: no assertion criteria provided. Collection method: clinical testing. Allele origin: germline. Affected: yes. Observed: 2 variant alleles. Not counted in ClinVar's aggregate classification.

Department of Pathology and Laboratory Medicine, Sinai Health System
Classification: Uncertain significance for Malignant tumor of breast. Review status: no assertion criteria provided. Collection method: clinical testing. Allele origin: unknown. Affected: yes. Study: The Canadian Open Genetics Repository (COGR). Not counted in ClinVar's aggregate classification.
Comment: The p.Asp2238Glu was not identified in the literature nor was it identified in HGMD, LOVD, or COSMIC. It was identified in the UMD one time and BIC two times, both with unknown significance, and the Clinvar database (1x from Invitae, classification not provided and 1x from BIC, as uncertain significance). It is listed in the dbSNP database (rs28897742) â€šÃ„ÃºWith Uncertain significance alleleâ€šÃ„Ã¹, but frequency information was not available from the general population (ESP project, 1000 genomes, HapMap). The p.Asp2238 variant is not well conserved in mammals and lower organisms and computational analyses (PolyPhen-2, SIFT, AlignGVGD, BLOSUM, MutationTaster) provide inconsistent predictions regarding the impact to the protein. However, this information is not very predictive of pathogenicity. In addition, in silico or computational prediction software programs (SpliceSiteFinder, MaxEntScan, NNSPLICE, GeneSplicer, HumanSpliceFinder) do not predict a difference in splicing. In summary, based on the above information, the clinical significance of this variant cannot be determined with certainty at this time. This variant is classified as a variant of unknown significance.

Literature cited by the submitters: PubMed 10923033 (cited by Labcorp Genetics (formerly Invitae), Labcorp); PubMed 18724707 (cited by Ambry Genetics and Quest Diagnostics Nichols Institute San Juan Capistrano); PubMed 33471991 (cited by Sema4).